The following is an entry in ClinVar:

NM_001928.4(CFD):c.299C>T (p.Ala100Val)

Gene: CFD (complement factor D; plus strand). Cytogenetic location: 19p13.3.
Variant type: single nucleotide variant.
Coding change: c.299C>T on transcript NM_001928.4 (MANE Select); coding-DNA position 299, C replaced by T.
Protein change: p.Ala100Val; replaces alanine 100 with valine.
Molecular consequence: missense variant.
Genome position (GRCh38, 1-based): chr19:860,947, C>T. VCF-style: chr19-860947-C-T. GRCh37 (hg19) VCF-style: chr19-860947-C-T.
Other names: c.320C>T, p.Ala107Val (NM_001317335.2); short protein forms A100V, A107V.
Identifiers: ClinVar variation 3005317 (VCV003005317.3), dbSNP rs1428803356, ClinGen allele CA402921190.

ClinVar aggregate classification (germline): Uncertain significance (1 of 4 stars; one submission).

Allele frequency attached by ClinVar (database versions not stated): gnomAD 0.00002; TOPMed 0.00002.

Submission:

Labcorp Genetics (formerly Invitae), Labcorp
Classification: Uncertain significance. Last evaluated: 2023-02-13. Review status: criteria provided, single submitter. Criteria: Invitae Variant Classification Sherloc (09022015). Collection method: clinical testing. Allele origin: germline.
Comment: This sequence change replaces alanine, which is neutral and non-polar, with valine, which is neutral and non-polar, at codon 100 of the CFD protein (p.Ala100Val). In summary, the available evidence is currently insufficient to determine the role of this variant in disease. Therefore, it has been classified as a Variant of Uncertain Significance. Algorithms developed to predict the effect of missense changes on protein structure and function output the following: SIFT: "Not Available"; PolyPhen-2: "Benign"; Align-GVGD: "Not Available". The valine amino acid residue is found in multiple mammalian species, which suggests that this missense change does not adversely affect protein function. This variant has not been reported in the literature in individuals affected with CFD-related conditions. This variant is not present in population databases (gnomAD no frequency).